The following is an entry in ClinVar:

NM_173348.2(FAM149B1):c.989del (p.Pro330fs)

Gene: FAM149B1 (family with sequence similarity 149 member B1; plus strand). Cytogenetic location: 10q22.2.
Variant type: Deletion.
Coding change: c.989del on transcript NM_173348.2 (MANE Select); coding-DNA position 989, one base deleted (C; older notation c.989delC).
Protein change: p.Pro330fs; shifts the reading frame from proline 330.
Molecular consequence: frameshift variant.
Genome position (GRCh38, 1-based): chr10:73,228,150, C deleted; the last of 2 consecutive C bases (chr10:73,228,149-73,228,150); deleting either gives the same sequence. VCF-style (leftmost placement, unchanged base first): chr10-73228148-GC-G. GRCh37 (hg19) VCF-style: chr10-74987906-GC-G.
Other names: short protein forms P330fs.
Identifiers: ClinVar variation 4884482 (VCV004884482.1).

ClinVar aggregate classification (germline): Likely pathogenic (1 of 4 stars; one submission).

Conditions:
Joubert syndrome 36 (JBTS36). Identifiers: MedGen C5231493, MONDO:0032902, OMIM 618763.

Submission:

Diagnostics Services (NGS), CSIR - Centre For Cellular And Molecular Biology
Classification: Likely pathogenic for Joubert syndrome 36. Last evaluated: 2026-07-10. Review status: criteria provided, single submitter. Criteria: ACMG Guidelines, 2015. Collection method: clinical testing. Allele origin: germline. Affected: no. Observed: 1 variant allele, 1 heterozygote.